The following is an entry in ClinVar:

NM_012096.3(APPL1):c.571A>C (p.Lys191Gln)

Gene: APPL1 (adaptor protein, phosphotyrosine interacting with PH domain and leucine zipper 1; plus strand). Cytogenetic location: 3p14.3.
Variant type: single nucleotide variant.
Coding change: c.571A>C on transcript NM_012096.3 (MANE Select); coding-DNA position 571, A replaced by C.
Protein change: p.Lys191Gln; replaces lysine 191 with glutamine.
Molecular consequence: missense variant.
Genome position (GRCh38, 1-based): chr3:57,246,172, A>C. VCF-style: chr3-57246172-A-C. GRCh37 (hg19) VCF-style: chr3-57280200-A-C.
Other names: short protein forms K191Q.
Identifiers: ClinVar variation 1584752 (VCV001584752.11), dbSNP rs200733439, ClinGen allele CA2463562.
Genomic context (GRCh38, chr3:57,246,172, plus strand): 5'-AGAAAGAAACAACACCAGACCATGATGCATTATTTTTGTGCATTAAATACTCTTCAGTAC[A>C]AGAAGAAAATAGCATTGTTAGAACCTCTACTTGGGTACATGCAAGCTCAGGTAAATACTG-3'
Protein context (NP_036228.1, residues 181-201): YFCALNTLQY[Lys191Gln]KKIALLEPLL

ClinVar aggregate classification (germline): Likely benign. Review status: criteria provided, multiple submitters, no conflicts (2 of 4 stars). 2 submissions from 2 submitters: Likely benign (2). Last evaluated 2026-03-16.

Allele frequency attached by ClinVar (database versions not stated): gnomAD exomes 0.00014 and 0.00042; gnomAD 0.00033 and 0.00034; 1000 Genomes Project 0.00040; ExAC 0.00041; TOPMed 0.00046; 1000 Genomes Project 30x 0.00047.
gnomAD v4.1: 267 of 1,611,406 alleles (0.017%); highest among the groups gnomAD compares: Admixed American, 0.26%; no homozygotes.

Submissions (2):

Women's Health and Genetics/Laboratory Corporation of America, LabCorp
Classification: Likely benign. Last evaluated: 2026-03-16. Review status: criteria provided, single submitter. Criteria: LabCorp Variant Classification Summary - May 2015. Collection method: clinical testing. Allele origin: germline.
Comment: Variant summary: APPL1 c.571A>C (p.Lys191Gln) results in a conservative amino acid change located in the BAR domain (IPR004148) of the encoded protein sequence. Algorithms developed to predict the effect of missense changes on protein structure and function are either unavailable or do not agree on the potential impact of this missense change. The variant allele was found at a frequency of 0.00042 in 247896 control chromosomes, predominantly at a frequency of 0.0025 within the Latino subpopulation in the gnomAD database. The observed variant frequency within Latino control individuals in the gnomAD database exceeds the estimated maximal expected allele frequency for disease-causing variants in APPL1, suggesting the variant is benign. To our knowledge, no occurrence of c.571A>C in individuals affected with APPL1-related conditions and no experimental evidence demonstrating its impact on protein function have been reported. ClinVar contains an entry for this variant (Variation ID: 1584752). Based on the evidence outlined above, the variant was classified as likely benign.

Labcorp Genetics (formerly Invitae), Labcorp
Classification: Likely benign. Last evaluated: 2026-01-27. Review status: criteria provided, single submitter. Criteria: Invitae Variant Classification Sherloc (09022015). Collection method: clinical testing. Allele origin: germline.